The following is an entry in ClinVar:

NM_000222.3(KIT):c.2591C>G (p.Ser864Cys)

Gene: KIT (KIT proto-oncogene, receptor tyrosine kinase; plus strand). Cytogenetic location: 4q12.
Variant type: single nucleotide variant.
Coding change: c.2591C>G on transcript NM_000222.3 (MANE Select); coding-DNA position 2591, C replaced by G.
Protein change: p.Ser864Cys; replaces serine 864 with cysteine.
Molecular consequence: missense variant.
Genome position (GRCh38, 1-based): chr4:54,736,604, C>G. VCF-style: chr4-54736604-C-G. GRCh37 (hg19) VCF-style: chr4-55602770-C-G.
Other names: c.2579C>G, p.Ser860Cys (NM_001093772.2, NM_001385292.1); c.2594C>G, p.Ser865Cys (NM_001385284.1); c.2588C>G, p.Ser863Cys (NM_001385285.1); c.2576C>G, p.Ser859Cys (NM_001385286.1); c.2582C>G, p.Ser861Cys (NM_001385288.1); c.2591C>G, p.Ser864Cys (NM_001385290.1); short protein forms S864C, S865C, S860C, S859C, S861C, S863C.
Identifiers: ClinVar variation 1469646 (VCV001469646.8), dbSNP rs2109811701, ClinGen allele CA356913448.

ClinVar aggregate classification (germline): Uncertain significance (1 of 4 stars; one submission).

Conditions:
Gastrointestinal stromal tumor. Also called: Gastrointestinal stroma tumor; Gastrointestinal stromal tumor, somatic. Identifiers: Orphanet 44890, MedGen C0238198, MeSH D046152, MONDO:0011719, OMIM 606764, HP:0100723.

Submission:

Labcorp Genetics (formerly Invitae), Labcorp
Classification: Uncertain significance for Gastrointestinal stromal tumor. Last evaluated: 2020-11-15. Review status: criteria provided, single submitter. Criteria: Invitae Variant Classification Sherloc (09022015). Collection method: clinical testing. Allele origin: germline.
Comment: This sequence change replaces serine with cysteine at codon 864 of the KIT protein (p.Ser864Cys). The serine residue is highly conserved and there is a moderate physicochemical difference between serine and cysteine. This variant is not present in population databases (ExAC no frequency). This variant has not been reported in the literature in individuals with KIT-related conditions. Algorithms developed to predict the effect of missense changes on protein structure and function (SIFT, PolyPhen-2, Align-GVGD) all suggest that this variant is likely to be disruptive, but these predictions have not been confirmed by published functional studies and their clinical significance is uncertain. In summary, the available evidence is currently insufficient to determine the role of this variant in disease. Therefore, it has been classified as a Variant of Uncertain Significance.